The following is an entry in ClinVar:

ClinVar aggregate classification (germline): Uncertain significance (1 of 4 stars; one submission).

Conditions:
Sulfite oxidase deficiency due to molybdenum cofactor deficiency type A. Also called: Molybdenum cofactor deficiency, complementation group A; Molybdenum Cofactor Deficiency A. Identifiers: Orphanet 308386, Orphanet 833, MedGen C1854988, MONDO:0009643, OMIM 252150.

gnomAD v4.1: 5 of 1,567,264 alleles (0.00032%); highest among the groups gnomAD compares: African/African-American, 0.0027%; no homozygotes.

Submission:

Labcorp Genetics (formerly Invitae), Labcorp
Classification: Uncertain significance for Sulfite oxidase deficiency due to molybdenum cofactor deficiency type A. Last evaluated: 2024-09-16. Review status: criteria provided, single submitter. Criteria: Invitae Variant Classification Sherloc (09022015). Collection method: clinical testing. Allele origin: germline.
Comment: This sequence change replaces alanine, which is neutral and non-polar, with threonine, which is neutral and polar, at codon 3 of the MOCS1 protein (p.Ala3Thr). The frequency data for this variant in the population databases is considered unreliable, as metrics indicate poor data quality at this position in the gnomAD database. This variant has not been reported in the literature in individuals affected with MOCS1-related conditions. Experimental studies and prediction algorithms are not available or were not evaluated, and the functional significance of this variant is currently unknown. In summary, the available evidence is currently insufficient to determine the role of this variant in disease. Therefore, it has been classified as a Variant of Uncertain Significance.

NM_001358530.2(MOCS1):c.7G>A (p.Ala3Thr)

Gene: MOCS1 (molybdenum cofactor synthesis 1; minus strand). Cytogenetic location: 6p21.2.
Variant type: single nucleotide variant.
Coding change: c.7G>A on transcript NM_001358530.2 (MANE Select); coding-DNA position 7, G replaced by A.
Protein change: p.Ala3Thr; replaces alanine 3 with threonine.
Molecular consequence: missense variant. On other transcripts: 5 prime UTR variant (2), non-coding transcript variant (1).
Genome position (GRCh38, 1-based): chr6:39,934,411, C>T on the plus strand (G>A on the coding strand, the complement: MOCS1 is on the minus strand). VCF-style: chr6-39934411-C-T. GRCh37 (hg19) VCF-style: chr6-39902150-C-T.
Other names: c.7G>A, p.Ala3Thr (NM_001075098.4, NM_001358529.2); c.-128G>A (NM_001358531.2, NM_001358533.2); short protein forms A3T.
Identifiers: ClinVar variation 3614119 (VCV003614119.2).